The following is an entry in ClinVar:

ClinVar aggregate classification (germline): Uncertain significance. Review status: criteria provided, multiple submitters, no conflicts (2 of 4 stars). 3 submissions from 3 submitters: Uncertain significance (3). Last evaluated 2025-11-04.

Conditions:
Hereditary cancer-predisposing syndrome. Also called: Neoplastic Syndromes, Hereditary; Tumor predisposition; Hereditary Cancer Syndrome; Hereditary neoplastic syndrome. Identifiers: Orphanet 140162, MedGen C0027672, MeSH D009386, MONDO:0015356.

Allele frequency attached by ClinVar (database versions not stated): ExAC 0.00001; gnomAD exomes 0.00001.
gnomAD v4.1: 1 of 1,611,414 alleles (0.000062%); highest among the groups gnomAD compares: Non-Finnish European, 0.000085%; no homozygotes.

Submissions (3):

Ambry Genetics
Classification: Uncertain significance for Hereditary cancer-predisposing syndrome. Last evaluated: 2025-11-04. Review status: criteria provided, single submitter. Criteria: Ambry Variant Classification Scheme 2023. Collection method: clinical testing. Allele origin: germline.
Comment: The p.G963S variant (also known as c.2887G>A), located in coding exon 25 of the POLE gene, results from a G to A substitution at nucleotide position 2887. The glycine at codon 963 is replaced by serine, an amino acid with similar properties. This amino acid position is highly conserved in available vertebrate species. In addition, this alteration is predicted to be deleterious by in silico analysis. Based on the available evidence, the clinical significance of this variant remains unclear.

Labcorp Genetics (formerly Invitae), Labcorp
Classification: Uncertain significance. Last evaluated: 2025-10-24. Review status: criteria provided, single submitter. Criteria: Invitae Variant Classification Sherloc (09022015). Collection method: clinical testing. Allele origin: germline.
Comment: This sequence change replaces glycine, which is neutral and non-polar, with serine, which is neutral and polar, at codon 963 of the POLE protein (p.Gly963Ser). This variant is present in population databases (rs751237672, gnomAD 0.002%). This variant has not been reported in the literature in individuals affected with POLE-related conditions. ClinVar contains an entry for this variant (Variation ID: 473566). Invitae Evidence Modeling of protein sequence and biophysical properties (such as structural, functional, and spatial information, amino acid conservation, physicochemical variation, residue mobility, and thermodynamic stability) indicates that this missense variant is expected to disrupt POLE protein function with a positive predictive value of 80%. In summary, the available evidence is currently insufficient to determine the role of this variant in disease. Therefore, it has been classified as a Variant of Uncertain Significance.

GeneDx
Classification: Uncertain significance. Last evaluated: 2019-12-13. Review status: criteria provided, single submitter. Criteria: GeneDx Variant Classification Process June 2021. Collection method: clinical testing. Allele origin: germline. Affected: yes.
Comment: Not observed at a significant frequency in large population cohorts (Lek 2016); In silico analysis, which includes protein predictors and evolutionary conservation, supports a deleterious effect; Has not been previously published as pathogenic or benign to our knowledge

NM_006231.4(POLE):c.2887G>A (p.Gly963Ser)

Gene: POLE (DNA polymerase epsilon, catalytic subunit; minus strand). Cytogenetic location: 12q24.33.
Variant type: single nucleotide variant.
Coding change: c.2887G>A on transcript NM_006231.4 (MANE Select); coding-DNA position 2887, G replaced by A.
Protein change: p.Gly963Ser; replaces glycine 963 with serine.
Molecular consequence: missense variant.
Genome position (GRCh38, 1-based): chr12:132,661,142, C>T on the plus strand (G>A on the coding strand, the complement: POLE is on the minus strand). VCF-style: chr12-132661142-C-T. GRCh37 (hg19) VCF-style: chr12-133237728-C-T.
Other names: c.2887G>A (NM_006231.2); short protein forms G963S.
Identifiers: ClinVar variation 473566 (VCV000473566.12), dbSNP rs751237672, ClinGen allele CA6893408.